The following is an entry in ClinVar:

ClinVar aggregate classification (germline): Uncertain significance. Review status: criteria provided, single submitter (1 of 4 stars). 2 submissions from 2 submitters: Uncertain significance (1). 1 of the submissions does not count toward it. Last evaluated 2025-08-27.

Conditions:
OPTN-related disorder. Also called: OPTN-related condition; OPTN-related disorders.
Inborn genetic diseases. Identifiers: MedGen C0950123, MeSH D030342.

Submissions (2):

Ambry Genetics
Classification: Uncertain significance for Inborn genetic diseases. Last evaluated: 2025-08-27. Review status: criteria provided, single submitter. Criteria: Ambry Variant Classification Scheme 2023. Collection method: clinical testing. Allele origin: germline.

PreventionGenetics, part of Exact Sciences
Classification: Uncertain significance for OPTN-related condition. Last evaluated: 2023-11-16. Review status: no assertion criteria provided. Collection method: clinical testing. Allele origin: germline. Not counted in ClinVar's aggregate classification.
Comment: The OPTN c.914A>G variant is predicted to result in the amino acid substitution p.Gln305Arg. To our knowledge, this variant has not been reported in the literature or in a large population database, indicating this variant is rare. At this time, the clinical significance of this variant is uncertain due to the absence of conclusive functional and genetic evidence.

NM_001008212.2(OPTN):c.914A>G (p.Gln305Arg)

Gene: OPTN (optineurin; plus strand). Cytogenetic location: 10p13.
Variant type: single nucleotide variant.
Coding change: c.914A>G on transcript NM_001008212.2 (MANE Select); coding-DNA position 914, A replaced by G.
Protein change: p.Gln305Arg; replaces glutamine 305 with arginine.
Molecular consequence: missense variant.
Genome position (GRCh38, 1-based): chr10:13,124,026, A>G. VCF-style: chr10-13124026-A-G. GRCh37 (hg19) VCF-style: chr10-13166026-A-G.
Other names: c.914A>G, p.Gln305Arg (NM_001008211.1, NM_001008213.1, NM_021980.4); short protein forms Q305R.
Identifiers: ClinVar variation 3349404 (VCV003349404.2).
Genomic context (GRCh38, chr10:13,124,026, plus strand): 5'-AGATATGTTTGGGATTTCCCGTATGATAGGTTGGAAGCGAAGTGGAAGCACTGAACCTCC[A>G]GGTGACATCTCTGTTTAAGGAGCTTCAAGAGGCTCATACAAAACTCAGCGAAGCTGAGCT-3'
Protein context (NP_001008213.1, residues 295-315): VGSEVEALNL[Gln305Arg]VTSLFKELQE